The following is an entry in ClinVar:

NM_000642.3(AGL):c.2309-2A>G

Gene: AGL (amylo-alpha-1,6-glucosidase and 4-alpha-glucanotransferase; plus strand). Cytogenetic location: 1p21.2.
Variant type: single nucleotide variant.
Coding change: c.2309-2A>G on transcript NM_000642.3 (MANE Select); the canonical splice acceptor site of the intron before coding-DNA position 2309, A replaced by G.
Molecular consequence: splice acceptor variant.
Genome position (GRCh38, 1-based): chr1:99,884,118, A>G. VCF-style: chr1-99884118-A-G. GRCh37 (hg19) VCF-style: chr1-100349674-A-G.
Other names: c.2309-2A>G (NM_000643.3, NM_000644.3, NM_001425326.1 and 2 more transcripts); c.2261-2A>G (NM_000646.3); c.2108-2A>G (NM_001425327.1); c.2105-2A>G (NM_001425328.1, NM_001425329.1); c.1931-2A>G (NM_001425332.1).
Identifiers: ClinVar variation 1066561 (VCV001066561.10), dbSNP rs1253347170, ClinGen allele CA341320513.
Genomic context (GRCh38, chr1:99,884,118, plus strand): 5'-GCCTTCCTAATTTTGGATGATTCCATATGAAATTTTGTTAAAATGTTTTTATGTATTCCT[A>G]GGCAAAATTGAAGAAGTAGTTCTTGAAGCTAGAACTATTGAGAGAAACACGAAACCTTAT-3'

ClinVar aggregate classification (germline): Likely pathogenic. Review status: criteria provided, multiple submitters, no conflicts (2 of 4 stars). 3 submissions from 3 submitters: Likely pathogenic (3). Last evaluated 2023-04-11.

Conditions:
Glycogen storage disease type III (GSD3). Also called: Cori disease; FORBES DISEASE. Identifiers: Orphanet 366, MedGen C0017922, MONDO:0009291, OMIM 232400.

Allele frequency attached by ClinVar (database versions not stated): gnomAD exomes below 0.00001 and 0.00001; TOPMed below 0.00001; gnomAD 0.00001.
gnomAD v4.1: 8 of 1,610,042 alleles (0.0005%); highest among the groups gnomAD compares: Non-Finnish European, 0.00068%; no homozygotes.

Submissions (3):

Genome-Nilou Lab
Classification: Likely pathogenic for Glycogen storage disease type III. Last evaluated: 2023-04-11. Review status: criteria provided, single submitter. Criteria: ACMG Guidelines, 2015. Collection method: clinical testing. Allele origin: germline. Affected: no.

Fulgent Genetics
Classification: Likely pathogenic for Glycogen storage disease type III. Last evaluated: 2021-12-07. Review status: criteria provided, single submitter. Criteria: ACMG Guidelines, 2015. Collection method: clinical testing. Allele origin: unknown.

Labcorp Genetics (formerly Invitae), Labcorp
Classification: Likely pathogenic for Glycogen storage disease type III. Last evaluated: 2020-10-13. Review status: criteria provided, single submitter. Criteria: Invitae Variant Classification Sherloc (09022015). Collection method: clinical testing. Allele origin: germline.
Comment: This sequence change affects an acceptor splice site in intron 17 of the AGL gene. It is expected to disrupt RNA splicing and likely results in an absent or disrupted protein product. This variant is not present in population databases (ExAC no frequency). This variant has not been reported in the literature in individuals with AGL-related conditions. Algorithms developed to predict the effect of sequence changes on RNA splicing suggest that this variant may disrupt the consensus splice site, but this prediction has not been confirmed by published transcriptional studies. Donor and acceptor splice site variants typically lead to a loss of protein function (PMID: 16199547), and loss-of-function variants in AGL are known to be pathogenic (PMID: 19299494). In summary, the currently available evidence indicates that the variant is pathogenic, but additional data are needed to prove that conclusively. Therefore, this variant has been classified as Likely Pathogenic.

Literature cited by the submitters: PubMed 16199547 (cited by Labcorp Genetics (formerly Invitae), Labcorp); PubMed 19299494 (cited by Labcorp Genetics (formerly Invitae), Labcorp).